The following is an entry in ClinVar:

NM_001378120.1(MBD5):c.179G>T (p.Cys60Phe)

Gene: MBD5 (methyl-CpG binding domain protein 5; plus strand). Cytogenetic location: 2q23.1.
Variant type: single nucleotide variant.
Coding change: c.179G>T on transcript NM_001378120.1 (MANE Select); coding-DNA position 179, G replaced by T.
Protein change: p.Cys60Phe; replaces cysteine 60 with phenylalanine.
Molecular consequence: missense variant.
Genome position (GRCh38, 1-based): chr2:148,462,647, G>T. VCF-style: chr2-148462647-G-T. GRCh37 (hg19) VCF-style: chr2-149220216-G-T.
Other names: c.179G>T, p.Cys60Phe (NM_018328.5); short protein forms C60F.
Identifiers: ClinVar variation 3376096 (VCV003376096.1).

ClinVar aggregate classification (germline): Uncertain significance (1 of 4 stars; one submission).

Submission:

GeneDx
Classification: Uncertain significance. Last evaluated: 2024-05-09. Review status: criteria provided, single submitter. Criteria: GeneDx Variant Classification Process June 2021. Collection method: clinical testing. Allele origin: germline. Affected: yes.
Comment: Not observed at significant frequency in large population cohorts (gnomAD); In silico analysis supports that this missense variant has a deleterious effect on protein structure/function; Has not been previously published as pathogenic or benign to our knowledge